The following is an entry in ClinVar:

ClinVar aggregate classification (germline): Uncertain significance (1 of 4 stars; one submission).

Conditions:
Epidermolysis bullosa simplex 5B, with muscular dystrophy (EBS5B). Also called: Epidermolysis bullosa simplex with muscular dystrophy; EPIDERMOLYSIS BULLOSA SIMPLEX AND LIMB-GIRDLE MUSCULAR DYSTROPHY. Identifiers: Orphanet 257, MedGen C2931072, MONDO:0009181, OMIM 226670.
Epidermolysis bullosa simplex, Ogna type (EBS5A). Also called: Pidermolysis bullosa simplex 5A, Ogna type; EPIDERMOLYSIS BULLOSA SIMPLEX 5A, OGNA TYPE. Identifiers: Orphanet 79401, MedGen C0432317, MONDO:0007555, OMIM 131950.
Epidermolysis bullosa simplex with nail dystrophy (EBS5D). Identifiers: MedGen C4225309, MONDO:0014661, OMIM 616487.
Epidermolysis bullosa simplex 5C, with pyloric atresia (EBS5C). Also called: Epidermolysis bullosa simplex with pyloric atresia; PLEC-Related Epidermolysis Bullosa with Pyloric Atresia; PLEC1-Related Epidermolysis Bullosa with Pyloric Atresia. Identifiers: Orphanet 158684, MedGen C2677349, MONDO:0012807, OMIM 612138.
Autosomal recessive limb-girdle muscular dystrophy type 2Q (LGMDR17). Also called: MUSCULAR DYSTROPHY, LIMB-GIRDLE, AUTOSOMAL RECESSIVE 17. Identifiers: Orphanet 254361, MedGen C3150989, MONDO:0013390, OMIM 613723.

Allele frequency attached by ClinVar (database versions not stated): gnomAD exomes below 0.00001.
gnomAD v4.1: 2 of 1,613,108 alleles (0.00012%); highest among the groups gnomAD compares: Non-Finnish European, 0.00017%; no homozygotes.

Submission:

Labcorp Genetics (formerly Invitae), Labcorp
Classification: Uncertain significance for Autosomal recessive limb-girdle muscular dystrophy type 2Q; Epidermolysis bullosa simplex, Ogna type; Epidermolysis bullosa simplex with nail dystrophy; Epidermolysis bullosa simplex 5C, with pyloric atresia; Epidermolysis bullosa simplex 5B, with muscular dystrophy. Last evaluated: 2024-07-27. Review status: criteria provided, single submitter. Criteria: Invitae Variant Classification Sherloc (09022015). Collection method: clinical testing. Allele origin: germline.
Comment: This sequence change replaces proline, which is neutral and non-polar, with leucine, which is neutral and non-polar, at codon 3338 of the PLEC protein (p.Pro3338Leu). This variant is present in population databases (no rsID available, gnomAD 0.0009%). This variant has not been reported in the literature in individuals affected with PLEC-related conditions. ClinVar contains an entry for this variant (Variation ID: 1447075). An algorithm developed to predict the effect of missense changes on protein structure and function (PolyPhen-2) suggests that this variant is likely to be disruptive. In summary, the available evidence is currently insufficient to determine the role of this variant in disease. Therefore, it has been classified as a Variant of Uncertain Significance.

NM_201384.3(PLEC):c.9932C>T (p.Pro3311Leu)

Gene: PLEC (plectin; minus strand). Cytogenetic location: 8q24.3.
Variant type: single nucleotide variant.
Coding change: c.9932C>T on transcript NM_201384.3 (MANE Select); coding-DNA position 9932, C replaced by T.
Protein change: p.Pro3311Leu; replaces proline 3311 with leucine.
Molecular consequence: missense variant.
Genome position (GRCh38, 1-based): chr8:143,919,889, G>A on the plus strand (C>T on the coding strand, the complement: PLEC is on the minus strand). VCF-style: chr8-143919889-G-A. GRCh37 (hg19) VCF-style: chr8-144994057-G-A.
Other names: c.10013C>T, p.Pro3338Leu (NM_000445.5); c.9890C>T, p.Pro3297Leu (NM_201378.4); c.9866C>T, p.Pro3289Leu (NM_201379.3); c.10343C>T, p.Pro3448Leu (NM_201380.4); c.9836C>T, p.Pro3279Leu (NM_201381.3); c.9932C>T, p.Pro3311Leu (NM_201382.4); c.9944C>T, p.Pro3315Leu (NM_201383.3); short protein forms P3315L, P3448L, P3338L, P3279L, P3297L, P3311L, P3289L.
Identifiers: ClinVar variation 1447075 (VCV001447075.8), dbSNP rs1554679793, ClinGen allele CA372505628.